The following is an entry in ClinVar:

ClinVar aggregate classification (germline): Uncertain significance (1 of 4 stars; one submission).

gnomAD v4.1: 4 of 1,594,856 alleles (0.00025%); highest among the groups gnomAD compares: East Asian, 0.009%; no homozygotes.

Submission:

Ambry Genetics
Classification: Uncertain significance. Last evaluated: 2023-11-20. Review status: criteria provided, single submitter. Criteria: Ambry Variant Classification Scheme 2023. Collection method: clinical testing. Allele origin: germline.
Comment: Does not currently meet published gene-disease clinical validity criteria Based on insufficient or conflicting evidence, the clinical significance of this alteration remains unclear.

Literature cited by the submitters: PubMed 28106320.

NM_015135.3(NUP205):c.1844G>C (p.Arg615Pro)

Gene: NUP205 (nucleoporin 205; plus strand). Cytogenetic location: 7q33.
Variant type: single nucleotide variant.
Coding change: c.1844G>C on transcript NM_015135.3 (MANE Select); coding-DNA position 1844, G replaced by C.
Protein change: p.Arg615Pro; replaces arginine 615 with proline.
Molecular consequence: missense variant.
Genome position (GRCh38, 1-based): chr7:135,594,560, G>C. VCF-style: chr7-135594560-G-C. GRCh37 (hg19) VCF-style: chr7-135279308-G-C.
Other names: c.770G>C, p.Arg257Pro (NM_001329434.2); short protein forms R257P, R615P.
Identifiers: ClinVar variation 3203063 (VCV003203063.1), dbSNP rs759050051, ClinGen allele CA4498203.